The following is an entry in ClinVar:

NM_001371986.1(UNC80):c.2063T>C (p.Val688Ala)

Gene: UNC80 (unc-80 subunit of NALCN channel complex; plus strand). Cytogenetic location: 2q34.
Variant type: single nucleotide variant.
Coding change: c.2063T>C on transcript NM_001371986.1 (MANE Select); coding-DNA position 2063, T replaced by C.
Protein change: p.Val688Ala; replaces valine 688 with alanine.
Molecular consequence: missense variant.
Genome position (GRCh38, 1-based): chr2:209,820,411, T>C. VCF-style: chr2-209820411-T-C. GRCh37 (hg19) VCF-style: chr2-210685135-T-C.
Other names: c.2063T>C, p.Val688Ala (NM_032504.2, NM_182587.4); c.2063T>C (NM_032504.1); short protein forms V688A.
Identifiers: ClinVar variation 1377242 (VCV001377242.7), dbSNP rs369077089, ClinGen allele CA2082994.

ClinVar aggregate classification (germline): Uncertain significance. Review status: criteria provided, multiple submitters, no conflicts (2 of 4 stars). 2 submissions from 2 submitters: Uncertain significance (2). Last evaluated 2026-10-19.

Allele frequency attached by ClinVar (database versions not stated): gnomAD exomes 0.00001 and below 0.00001; TOPMed 0.00003; ExAC 0.00004; gnomAD 0.00006; ESP Exome Variant Server 0.00022.
gnomAD v4.1: 11 of 1,551,782 alleles (0.00071%); highest among the groups gnomAD compares: African/African-American, 0.015%; no homozygotes.

Submissions (2):

GeneDx
Classification: Uncertain significance. Last evaluated: 2026-10-19. Review status: criteria provided, single submitter. Criteria: GeneDx Variant Classification Process June 2021. Collection method: clinical testing. Allele origin: germline.
Comment: In silico analysis suggests that this missense variant does not alter protein structure/function; Has not been previously published as pathogenic or benign to our knowledge

Labcorp Genetics (formerly Invitae), Labcorp
Classification: Uncertain significance. Last evaluated: 2022-10-30. Review status: criteria provided, single submitter. Criteria: Invitae Variant Classification Sherloc (09022015). Collection method: clinical testing. Allele origin: germline.
Comment: This sequence change replaces valine, which is neutral and non-polar, with alanine, which is neutral and non-polar, at codon 688 of the UNC80 protein (p.Val688Ala). This variant is present in population databases (rs369077089, gnomAD 0.02%). This variant has not been reported in the literature in individuals affected with UNC80-related conditions. ClinVar contains an entry for this variant (Variation ID: 1377242). Algorithms developed to predict the effect of missense changes on protein structure and function are either unavailable or do not agree on the potential impact of this missense change (SIFT: "Not Available"; PolyPhen-2: "Probably Damaging"; Align-GVGD: "Not Available"). In summary, the available evidence is currently insufficient to determine the role of this variant in disease. Therefore, it has been classified as a Variant of Uncertain Significance.